The following is an entry in ClinVar:

ClinVar aggregate classification (germline): Uncertain significance (1 of 4 stars; one submission).

Conditions:
Inborn genetic diseases. Identifiers: MedGen C0950123, MeSH D030342.

gnomAD v4.1: 2 of 1,614,050 alleles (0.00012%); highest among the groups gnomAD compares: Non-Finnish European, 0.00017%; no homozygotes.

Submission:

Ambry Genetics
Classification: Uncertain significance for Inborn genetic diseases. Last evaluated: 2025-10-26. Review status: criteria provided, single submitter. Criteria: Ambry Variant Classification Scheme 2023. Collection method: clinical testing. Allele origin: germline.
Comment: The p.P476A variant (also known as c.1426C>G), located in coding exon 1 of the SAMD9 gene, results from a C to G substitution at nucleotide position 1426. The proline at codon 476 is replaced by alanine, an amino acid with highly similar properties. This amino acid position is conserved. In addition, this alteration is predicted to be tolerated by in silico analysis. Based on the available evidence, the clinical significance of this variant remains unclear.

NM_017654.4(SAMD9):c.1426C>G (p.Pro476Ala)

Gene: SAMD9 (sterile alpha motif domain containing 9; minus strand). Cytogenetic location: 7q21.2.
Variant type: single nucleotide variant.
Coding change: c.1426C>G on transcript NM_017654.4 (MANE Select); coding-DNA position 1426, C replaced by G.
Protein change: p.Pro476Ala; replaces proline 476 with alanine.
Molecular consequence: missense variant.
Genome position (GRCh38, 1-based): chr7:93,104,672, G>C on the plus strand (C>G on the coding strand, the complement: SAMD9 is on the minus strand). VCF-style: chr7-93104672-G-C. GRCh37 (hg19) VCF-style: chr7-92733985-G-C.
Other names: c.1426C>G, p.Pro476Ala (NM_001193307.2); short protein forms P476A.
Identifiers: ClinVar variation 4629900 (VCV004629900.1).